The following is an entry in ClinVar:

NM_007294.4(BRCA1):c.238A>T (p.Ser80Cys)

Gene: BRCA1 (BRCA1 DNA repair associated; minus strand). Cytogenetic location: 17q21.31.
Variant type: single nucleotide variant.
Coding change: c.238A>T on transcript NM_007294.4 (MANE Select); coding-DNA position 238, A replaced by T.
Protein change: p.Ser80Cys; replaces serine 80 with cysteine.
Molecular consequence: missense variant. On other transcripts: non-coding transcript variant (1).
Genome position (GRCh38, 1-based): chr17:43,104,931, T>A on the plus strand (A>T on the coding strand, the complement: BRCA1 is on the minus strand). VCF-style: chr17-43104931-T-A. GRCh37 (hg19) VCF-style: chr17-41256948-T-A.
Other names: c.238A>T, p.Ser80Cys (NM_001407665.1, NM_001407666.1, NM_001407667.1 and 168 more transcripts); c.97A>T, p.Ser33Cys (NM_001407692.1, NM_001407694.1, NM_001407695.1 and 99 more transcripts); c.28A>T, p.Ser10Cys (NM_001407853.1, NM_001407879.1, NM_001407881.1 and 58 more transcripts); c.160A>T, p.Ser54Cys (NM_001407862.1, NM_001407874.1, NM_001407875.1 and 21 more transcripts); c.-144A>T (NM_001407959.1, NM_001407960.1, NM_001407962.1 and 4 more transcripts); c.106A>T, p.Ser36Cys (NM_001408451.1); short protein forms S33C, S80C, S54C, S36C, S10C.
Identifiers: ClinVar variation 865314 (VCV000865314.3), dbSNP rs2054690791, ClinGen allele CA10601681.

Conditions:
Breast-ovarian cancer, familial, susceptibility to, 1 (BROVCA1). Also called: BRCA1 Hereditary Breast and Ovarian Cancer; OVARIAN CANCER, SUSCEPTIBILITY TO. Identifiers: Orphanet 145, MedGen C2676676, MONDO:0011450, OMIM 604370. Disease mechanism: loss of function.

Submission:

Brotman Baty Institute, University of Washington
No classification provided (evidence only). Condition: Breast-ovarian cancer, familial 1. Review status: no classification provided. Collection method: in vitro. Allele origin: not applicable. Functional consequence: functionally_normal.
ClinVar note: "not provided" was previously submitted as the classification for the variant. However, the classification appeared to be based only on an observation of functional data so it was converted to no classification on 2025-07-30.